The following is an entry in ClinVar:

ClinVar aggregate classification (germline): Uncertain significance. Review status: criteria provided, multiple submitters, no conflicts (2 of 4 stars). 5 submissions from 5 submitters: Uncertain significance (4). 1 of the submissions does not count toward it. Last evaluated 2025-04-05.

Conditions:
Inborn genetic diseases. Identifiers: MedGen C0950123, MeSH D030342.
Myopathy, centronuclear, 5 (CNM5). Identifiers: Orphanet 169186, MedGen C4014814, MONDO:0014418, OMIM 615959.

Allele frequency attached by ClinVar (database versions not stated): gnomAD exomes 0.00010 and 0.00030; gnomAD 0.00019 and 0.00022; TOPMed 0.00026; 1000 Genomes Project 0.00040; 1000 Genomes Project 30x 0.00094.
gnomAD v4.1: 440 of 1,500,184 alleles (0.029%); highest among the groups gnomAD compares: Non-Finnish European, 0.036%; 1 homozygote.

Submissions (5):

Ambry Genetics
Classification: Uncertain significance for Inborn genetic diseases. Last evaluated: 2025-04-05. Review status: criteria provided, single submitter. Criteria: Ambry Variant Classification Scheme 2023. Collection method: clinical testing. Allele origin: germline.

CeGaT Center for Human Genetics Tuebingen
Classification: Uncertain significance. Last evaluated: 2025-04-01. Review status: criteria provided, single submitter. Criteria: CeGaT Center For Human Genetics Tuebingen Variant Classification Criteria Version 2. Collection method: clinical testing. Allele origin: germline. Affected: yes. Observed: 1 variant allele.

Revvity Omics, Revvity
Classification: Uncertain significance for Myopathy, centronuclear, 5. Last evaluated: 2023-05-10. Review status: criteria provided, single submitter. Criteria: ACMG Guidelines, 2015. Collection method: clinical testing. Allele origin: germline.

Labcorp Genetics (formerly Invitae), Labcorp
Classification: Uncertain significance. Last evaluated: 2022-07-13. Review status: criteria provided, single submitter. Criteria: Invitae Variant Classification Sherloc (09022015). Collection method: clinical testing. Allele origin: germline.
Comment: This sequence change replaces proline, which is neutral and non-polar, with serine, which is neutral and polar, at codon 18 of the SPEG protein (p.Pro18Ser). This variant is present in population databases (rs544959269, gnomAD 0.02%). This variant has not been reported in the literature in individuals affected with SPEG-related conditions. ClinVar contains an entry for this variant (Variation ID: 1432832). Algorithms developed to predict the effect of missense changes on protein structure and function output the following: SIFT: "Tolerated"; PolyPhen-2: "Benign"; Align-GVGD: "Class C0". The serine amino acid residue is found in multiple mammalian species, which suggests that this missense change does not adversely affect protein function. In summary, the available evidence is currently insufficient to determine the role of this variant in disease. Therefore, it has been classified as a Variant of Uncertain Significance.

Genetic Services Laboratory, University of Chicago
Classification: Uncertain significance. Last evaluated: 2022-06-27. Review status: no assertion criteria provided. Collection method: clinical testing. Allele origin: germline. Affected: no. Not counted in ClinVar's aggregate classification.
Comment: DNA sequence analysis of the SPEG gene demonstrated a sequence change, c.52C>T, in exon 1 that results in an amino acid change, p.Pro18Ser. This sequence change has been described in the gnomAD database with a frequency of 0.023% in the non-Finnish European subpopulation (dbSNP rs544959269). The p.Pro18Ser change affects a moderately conserved amino acid residue located in a domain of the SPEG protein that is not known to be functional. The p.Pro18Ser substitution appears to be benign using several in-silico pathogenicity prediction tools (SIFT, PolyPhen2, Align GVGD, REVEL). This sequence change does not appear to have been previously described in individuals with SPEG-related disorders. Due to insufficient evidences and the lack of functional studies, the clinical significance of the p.Pro18Ser change remains unknown at this time.

NM_005876.5(SPEG):c.52C>T (p.Pro18Ser)

Gene: SPEG (striated muscle enriched protein kinase; plus strand). Cytogenetic location: 2q35.
Variant type: single nucleotide variant.
Coding change: c.52C>T on transcript NM_005876.5 (MANE Select); coding-DNA position 52, C replaced by T.
Protein change: p.Pro18Ser; replaces proline 18 with serine.
Molecular consequence: missense variant.
Genome position (GRCh38, 1-based): chr2:219,435,029, C>T. VCF-style: chr2-219435029-C-T. GRCh37 (hg19) VCF-style: chr2-220299751-C-T.
Other names: c.52C>T (NM_005876.4); short protein forms P18S.
Identifiers: ClinVar variation 1432832 (VCV001432832.15), dbSNP rs544959269, ClinGen allele CA2125337.
Genomic context (GRCh38, chr2:219,435,029, plus strand): 5'-TCAGTGGCCATGCAGAAAGCCCGGGGCACGCGAGGCGAGGATGCGGGCACGAGGGCACCC[C>T]CCAGCCCCGGAGTGCCCCCGAAAAGGGCCAAGGTGGGGGCCGGCGGCGGGGCTCCTGTGG-3'
Protein context (NP_005867.3, residues 8-28): RGEDAGTRAP[Pro18Ser]SPGVPPKRAK